The following is an entry in ClinVar:

NM_004168.4(SDHA):c.121A>C (p.Lys41Gln)

Gene: SDHA (succinate dehydrogenase complex flavoprotein subunit A; plus strand). Cytogenetic location: 5p15.33.
Variant type: single nucleotide variant.
Coding change: c.121A>C on transcript NM_004168.4 (MANE Select); coding-DNA position 121, A replaced by C.
Protein change: p.Lys41Gln; replaces lysine 41 with glutamine.
Molecular consequence: missense variant.
Genome position (GRCh38, 1-based): chr5:223,539, A>C. VCF-style: chr5-223539-A-C. GRCh37 (hg19) VCF-style: chr5-223654-A-C.
Other names: c.121A>C, p.Lys41Gln (NM_001294332.2, NM_001330758.2); short protein forms K41Q.
Identifiers: ClinVar variation 942882 (VCV000942882.10), dbSNP rs1061520, ClinGen allele CA359008213.

ClinVar aggregate classification (germline): Uncertain significance. Review status: criteria provided, multiple submitters, no conflicts (2 of 4 stars). 2 submissions from 2 submitters: Uncertain significance (2). Last evaluated 2025-10-23.

Conditions:
Hereditary cancer-predisposing syndrome. Also called: Hereditary Cancer Syndrome; Neoplastic Syndromes, Hereditary; Tumor predisposition; Hereditary neoplastic syndrome. Identifiers: Orphanet 140162, MedGen C0027672, MeSH D009386, MONDO:0015356.
Mitochondrial complex II deficiency, nuclear type 1. Also called: SUCCINATE CoQ REDUCTASE DEFICIENCY. Identifiers: Orphanet 3208, MedGen C5700310, MONDO:0100294, OMIM 252011.
Pheochromocytoma/paraganglioma syndrome 5. Also called: Paragangliomas 5; SDHA-Related Hereditary Paraganglioma-Pheochromocytoma Syndrome. Identifiers: Orphanet 29072, MedGen C3279992, MONDO:0013602, OMIM 614165.

Allele frequency attached by ClinVar (database versions not stated): TOPMed below 0.00001; gnomAD exomes 0.00001.
gnomAD v4.1: 11 of 1,613,760 alleles (0.00068%); highest among the groups gnomAD compares: Non-Finnish European, 0.00093%; no homozygotes.

Submissions (2):

Labcorp Genetics (formerly Invitae), Labcorp
Classification: Uncertain significance for Pheochromocytoma/paraganglioma syndrome 5; Mitochondrial complex II deficiency, nuclear type 1. Last evaluated: 2025-10-23. Review status: criteria provided, single submitter. Criteria: Invitae Variant Classification Sherloc (09022015). Collection method: clinical testing. Allele origin: germline.
Comment: This sequence change replaces lysine, which is basic and polar, with glutamine, which is neutral and polar, at codon 41 of the SDHA protein (p.Lys41Gln). This variant is present in population databases (no rsID available, gnomAD 0.002%). This variant has not been reported in the literature in individuals affected with SDHA-related conditions. ClinVar contains an entry for this variant (Variation ID: 942882). Invitae Evidence Modeling of protein sequence and biophysical properties (such as structural, functional, and spatial information, amino acid conservation, physicochemical variation, residue mobility, and thermodynamic stability) indicates that this missense variant is not expected to disrupt SDHA protein function with a negative predictive value of 95%. In summary, the available evidence is currently insufficient to determine the role of this variant in disease. Therefore, it has been classified as a Variant of Uncertain Significance.

Ambry Genetics
Classification: Uncertain significance for Hereditary cancer-predisposing syndrome. Last evaluated: 2023-11-15. Review status: criteria provided, single submitter. Criteria: Ambry Variant Classification Scheme 2023. Collection method: clinical testing. Allele origin: germline.
Comment: The p.K41Q variant (also known as c.121A>C), located in coding exon 2 of the SDHA gene, results from an A to C substitution at nucleotide position 121. The lysine at codon 41 is replaced by glutamine, an amino acid with similar properties. This amino acid position is well conserved in available vertebrate species. In addition, this alteration is predicted to be tolerated by in silico analysis. Since supporting evidence is limited at this time, the clinical significance of this alteration remains unclear.